The following is an entry in ClinVar:

ClinVar aggregate classification (germline): Uncertain significance (1 of 4 stars; one submission).

Conditions:
Familial intrahepatic cholestasis. Identifiers: Orphanet 284385, MedGen CN296401, MONDO:0017290.

gnomAD v4.1: 1 of 1,608,012 alleles (0.000062%); no homozygotes.

Submission:

Genomenon, Inc
Classification: Uncertain significance for Familial intrahepatic cholestasis. Last evaluated: 2026-04-14. Review status: criteria provided, single submitter. Criteria: Genomenon Sequence Variant Interpretation Standards - Updated. Collection method: curation. Allele origin: germline. Affected: yes.
Comment: ABCB4 p.Cys353Tyr (c.1058G>A) is a missense variant that changes the amino acid at residue 353 from Cysteine to Tyrosine. This variant has been observed in at least one proband with an ABCB4-related disorder (PMID:38610052). It is absent or not present at a significant frequency in gnomAD. In conclusion, we classify ABCB4 p.Cys353Tyr (c.1058G>A) as a variant of uncertain significance.

Literature cited by the submitters: PubMed 38610052.

NM_000443.4(ABCB4):c.1058G>A (p.Cys353Tyr)

Gene: ABCB4 (ATP binding cassette subfamily B member 4; minus strand). Cytogenetic location: 7q21.12.
Variant type: single nucleotide variant.
Coding change: c.1058G>A on transcript NM_000443.4 (MANE Select); coding-DNA position 1058, G replaced by A.
Protein change: p.Cys353Tyr; replaces cysteine 353 with tyrosine.
Molecular consequence: missense variant.
Genome position (GRCh38, 1-based): chr7:87,444,923, C>T on the plus strand (G>A on the coding strand, the complement: ABCB4 is on the minus strand). VCF-style: chr7-87444923-C-T. GRCh37 (hg19) VCF-style: chr7-87074239-C-T.
Other names: c.1058G>A, p.Cys353Tyr (NM_018849.3, NM_018850.3); short protein forms C353Y.
Identifiers: ClinVar variation 4846412 (VCV004846412.1).